The following is an entry in ClinVar:

ClinVar aggregate classification (germline): Uncertain significance (1 of 4 stars; one submission).

Conditions:
Cardiovascular phenotype. Identifiers: MedGen CN230736.

Submission:

Ambry Genetics
Classification: Uncertain significance for Cardiovascular phenotype. Last evaluated: 2023-01-04. Review status: criteria provided, single submitter. Criteria: Ambry Variant Classification Scheme 2023. Collection method: clinical testing. Allele origin: germline.
Comment: The c.-3A>T variant is located in the 5' untranslated region (5&rsquo; UTR) of the ACTC1 gene. This variant results from an A to T substitution 3 bases upstream from the first translated codon. This nucleotide position is not well conserved in available vertebrate species. Since supporting evidence is limited at this time, the clinical significance of this alteration remains unclear.

NM_005159.5(ACTC1):c.-3A>T

Genes: ACTC1 (actin alpha cardiac muscle 1; minus strand), GJD2-DT (GJD2 divergent transcript; plus strand). Cytogenetic location: 15q14.
Variant type: single nucleotide variant.
Coding change: c.-3A>T on transcript NM_005159.5 (MANE Select); 3 bases upstream of the start codon, A replaced by T.
Molecular consequence: 5 prime UTR variant.
Genome position (GRCh38, 1-based): chr15:34,794,811, T>A on the plus strand (A>T on the coding strand, the complement: ACTC1 is on the minus strand). VCF-style: chr15-34794811-T-A. GRCh37 (hg19) VCF-style: chr15-35087012-T-A.
Other names: c.-3A>T (NM_001406482.1, NM_001406483.1).
Identifiers: ClinVar variation 2447970 (VCV002447970.2), dbSNP rs769795473, ClinGen allele CA2580089303.